The following is an entry in ClinVar:

NM_002206.3(ITGA7):c.238C>T (p.Leu80Phe)

Gene: ITGA7 (integrin subunit alpha 7; minus strand). Cytogenetic location: 12q13.2.
Variant type: single nucleotide variant.
Coding change: c.238C>T on transcript NM_002206.3 (MANE Select); coding-DNA position 238, C replaced by T.
Protein change: p.Leu80Phe; replaces leucine 80 with phenylalanine.
Molecular consequence: missense variant. On other transcripts: 5 prime UTR variant (3), intron variant (1).
Genome position (GRCh38, 1-based): chr12:55,703,147, G>A on the plus strand (C>T on the coding strand, the complement: ITGA7 is on the minus strand). VCF-style: chr12-55703147-G-A. GRCh37 (hg19) VCF-style: chr12-56096931-G-A.
Other names: c.238C>T, p.Leu80Phe (NM_001144996.2, NM_001374465.1, NM_001410977.1 and 6 more transcripts); c.-102C>T (NM_001367993.1, NM_001414035.1); c.-935C>T (NM_001367994.1); c.86-1731C>T (NM_001144997.2); short protein forms L80F.
Identifiers: ClinVar variation 1024150 (VCV001024150.9), dbSNP rs762003289, ClinGen allele CA6616411.

ClinVar aggregate classification (germline): Uncertain significance (1 of 4 stars; one submission).

Conditions:
Congenital muscular dystrophy due to integrin alpha-7 deficiency. Also called: MYOPATHY, CONGENITAL, DUE TO INTEGRIN ALPHA-7 DEFICIENCY; Congenital muscular dystrophy with integrin alpha-7 deficiency; Muscular dystrophy, congenital, due to ITGA7 deficiency. Identifiers: Orphanet 34520, MedGen C2750786, MONDO:0013177, OMIM 613204.

Allele frequency attached by ClinVar (database versions not stated): gnomAD exomes below 0.00001; ExAC 0.00001.
gnomAD v4.1: 2 of 1,612,536 alleles (0.00012%); highest among the groups gnomAD compares: South Asian, 0.0011%; no homozygotes.

Submission:

Labcorp Genetics (formerly Invitae), Labcorp
Classification: Uncertain significance for Congenital muscular dystrophy due to integrin alpha-7 deficiency. Last evaluated: 2020-07-08. Review status: criteria provided, single submitter. Criteria: Invitae Variant Classification Sherloc (09022015). Collection method: clinical testing. Allele origin: germline.
Comment: This variant is present in population databases (rs762003289, ExAC 0.006%). In summary, the available evidence is currently insufficient to determine the role of this variant in disease. Therefore, it has been classified as a Variant of Uncertain Significance. Algorithms developed to predict the effect of missense changes on protein structure and function output the following: SIFT: "Tolerated"; PolyPhen-2: "Benign"; Align-GVGD: "Class C0". The phenylalanine amino acid residue is found in multiple mammalian species, suggesting that this missense change does not adversely affect protein function. These predictions have not been confirmed by published functional studies and their clinical significance is uncertain. This variant has not been reported in the literature in individuals with ITGA7-related conditions. This sequence change replaces leucine with phenylalanine at codon 80 of the ITGA7 protein (p.Leu80Phe). The leucine residue is moderately conserved and there is a small physicochemical difference between leucine and phenylalanine.